The following is an entry in ClinVar:

ClinVar aggregate classification (germline): Uncertain significance. Review status: criteria provided, multiple submitters, no conflicts (2 of 4 stars). 3 submissions from 3 submitters: Uncertain significance (3). Last evaluated 2025-12-10.

Conditions:
Inborn genetic diseases. Identifiers: MedGen C0950123, MeSH D030342.
PKHD1-related disorder. Also called: PKHD1-related condition.
Autosomal recessive polycystic kidney disease (ARPKD). Also called: AR polycystic kidney disease. Identifiers: Orphanet 731, Orphanet 8378, MedGen C0085548, MeSH D017044, MONDO:0009889.

gnomAD v4.1: 10 of 1,613,090 alleles (0.00062%); highest among the groups gnomAD compares: Non-Finnish European, 0.00085%; no homozygotes.

Submissions (3):

Labcorp Genetics (formerly Invitae), Labcorp
Classification: Uncertain significance for Autosomal recessive polycystic kidney disease. Last evaluated: 2025-12-10. Review status: criteria provided, single submitter. Criteria: Invitae Variant Classification Sherloc (09022015). Collection method: clinical testing. Allele origin: germline.
Comment: This sequence change replaces serine, which is neutral and polar, with arginine, which is basic and polar, at codon 3417 of the PKHD1 protein (p.Ser3417Arg). This variant is present in population databases (no rsID available, gnomAD 0.003%). This variant has not been reported in the literature in individuals affected with PKHD1-related conditions. ClinVar contains an entry for this variant (Variation ID: 2073330). Invitae Evidence Modeling of protein sequence and biophysical properties (such as structural, functional, and spatial information, amino acid conservation, physicochemical variation, residue mobility, and thermodynamic stability) indicates that this missense variant is not expected to disrupt PKHD1 protein function with a negative predictive value of 95%. In summary, the available evidence is currently insufficient to determine the role of this variant in disease. Therefore, it has been classified as a Variant of Uncertain Significance.

PreventionGenetics, part of Exact Sciences
Classification: Uncertain significance for PKHD1-related condition. Last evaluated: 2025-04-19. Review status: criteria provided, single submitter. Criteria: ACMG Guidelines, 2015. Collection method: clinical testing. Allele origin: germline.
Comment: The PKHD1 c.10251C>A variant is predicted to result in the amino acid substitution p.Ser3417Arg. To our knowledge, this variant has not been reported in the literature. This variant is reported in 0.0031% of alleles in individuals of European (Non-Finnish) descent in gnomAD. At this time, the clinical significance of this variant is uncertain due to the absence of conclusive functional and genetic evidence.

Ambry Genetics
Classification: Uncertain significance for Inborn genetic diseases. Last evaluated: 2024-12-10. Review status: criteria provided, single submitter. Criteria: Ambry Variant Classification Scheme 2023. Collection method: clinical testing. Allele origin: germline.

NM_138694.4(PKHD1):c.10251C>A (p.Ser3417Arg)

Gene: PKHD1 (PKHD1 ciliary IPT domain containing fibrocystin/polyductin; minus strand). Cytogenetic location: 6p12.3.
Variant type: single nucleotide variant.
Coding change: c.10251C>A on transcript NM_138694.4 (MANE Select); coding-DNA position 10251, C replaced by A.
Protein change: p.Ser3417Arg; replaces serine 3417 with arginine.
Molecular consequence: missense variant.
Genome position (GRCh38, 1-based): chr6:51,659,875, G>T on the plus strand (C>A on the coding strand, the complement: PKHD1 is on the minus strand). VCF-style: chr6-51659875-G-T. GRCh37 (hg19) VCF-style: chr6-51524673-G-T.
Other names: c.10251C>A (NM_138694.3); short protein forms S3417R.
Identifiers: ClinVar variation 2073330 (VCV002073330.4), dbSNP rs372394177, ClinGen allele CA138897702.